The following is an entry in ClinVar:

ClinVar aggregate classification (germline): Pathogenic. Review status: criteria provided, multiple submitters, no conflicts (2 of 4 stars). 3 submissions from 3 submitters: Pathogenic (2). 1 of the submissions does not count toward it. Last evaluated 2021-12-10.

Conditions:
Smith-McCort dysplasia 2 (SMC2). Identifiers: MedGen C3714896, MONDO:0014087, OMIM 615222.

Submissions (3):

Centre of Medical Genetics, University Hospital Muenster
Classification: Pathogenic. Last evaluated: 2021-12-10. Review status: criteria provided, single submitter. Criteria: ACMG Guidelines, 2015. Collection method: clinical testing. Allele origin: unknown. Affected: yes. Observed: 1 variant allele, 1 homozygote.
Comment: ACMG categories: PVS1,PM2,PP3,PP5

Centre for Human Genetics
Classification: Pathogenic for Smith-McCort dysplasia 2. Last evaluated: 2020-10-01. Review status: criteria provided, single submitter. Criteria: ACMG Guidelines, 2015. Collection method: clinical testing. Allele origin: germline. Affected: yes and no. Observed: 3 variant alleles. Segregation with disease observed.

Department of Pediatric Genetics, Istanbul University - Cerrahpasa
Classification: Pathogenic for Smith-McCort dysplasia 2. Last evaluated: 2021-05-17. Review status: no assertion criteria provided. Collection method: clinical testing. Allele origin: germline. Affected: yes. Not counted in ClinVar's aggregate classification.

NM_031296.3(RAB33B):c.400C>T (p.Gln134Ter)

Gene: RAB33B (RAB33B, member RAS oncogene family; plus strand). Cytogenetic location: 4q31.1.
Variant type: single nucleotide variant.
Coding change: c.400C>T on transcript NM_031296.3 (MANE Select); coding-DNA position 400, C replaced by T.
Protein change: p.Gln134Ter; replaces glutamine 134 with a stop codon.
Molecular consequence: nonsense.
Genome position (GRCh38, 1-based): chr4:139,472,836, C>T. VCF-style: chr4-139472836-C-T. GRCh37 (hg19) VCF-style: chr4-140393990-C-T.
Other names: short protein forms Q134*.
Identifiers: ClinVar variation 1048093 (VCV001048093.5), dbSNP rs1750416123, ClinGen allele CA358272858.